The following is an entry in ClinVar:

NM_020134.4(DPYSL5):c.1450G>A (p.Val484Ile)

Gene: DPYSL5 (dihydropyrimidinase like 5; plus strand). Cytogenetic location: 2p23.3.
Variant type: single nucleotide variant.
Coding change: c.1450G>A on transcript NM_020134.4 (MANE Select); coding-DNA position 1450, G replaced by A.
Protein change: p.Val484Ile; replaces valine 484 with isoleucine.
Molecular consequence: missense variant.
Genome position (GRCh38, 1-based): chr2:26,944,665, G>A. VCF-style: chr2-26944665-G-A. GRCh37 (hg19) VCF-style: chr2-27167533-G-A.
Other names: c.1450G>A, p.Val484Ile (NM_001253723.2, NM_001253724.2); short protein forms V484I.
Identifiers: ClinVar variation 3251761 (VCV003251761.1), dbSNP rs1049532272.

ClinVar aggregate classification (germline): Uncertain significance (1 of 4 stars; one submission).

Allele frequency attached by ClinVar (database versions not stated): gnomAD 0.00001.
gnomAD v4.1: 1 of 1,613,836 alleles (0.000062%); highest among the groups gnomAD compares: South Asian, 0.0011%; no homozygotes.

Submission:

Women's Health and Genetics/Laboratory Corporation of America, LabCorp
Classification: Uncertain significance. Last evaluated: 2024-04-23. Review status: criteria provided, single submitter. Criteria: LabCorp Variant Classification Summary - May 2015. Collection method: clinical testing. Allele origin: germline.
Comment: Variant summary: DPYSL5 c.1450G>A (p.Val484Ile) results in a conservative amino acid change in the encoded protein sequence. Five of five in-silico tools predict a benign effect of the variant on protein function. The variant was absent in 250838 control chromosomes. The available data on variant occurrences in the general population are insufficient to allow any conclusion about variant significance. To our knowledge, no occurrence of c.1450G>A in individuals affected with Ritscher-Schinzel Syndrome 4 and no experimental evidence demonstrating its impact on protein function have been reported. No submitters have cited clinical-significance assessments for this variant to ClinVar. Based on the evidence outlined above, the variant was classified as uncertain significance.